The following is an entry in ClinVar:

ClinVar aggregate classification (germline): Uncertain significance (1 of 4 stars; one submission).

Conditions:
Autosomal dominant childhood-onset proximal spinal muscular atrophy with contractures (SMALED2A). Also called: Spinal muscular atrophy, lower extremity-predominant, 2A, autosomal dominant; SPINAL MUSCULAR ATROPHY, LOWER EXTREMITY-PREDOMINANT, 2A, CHILDHOOD ONSET, AUTOSOMAL DOMINANT. Identifiers: Orphanet 363447, Orphanet 363454, MedGen C4747715, MONDO:0014121, OMIM 615290.

Submission:

Labcorp Genetics (formerly Invitae), Labcorp
Classification: Uncertain significance for Autosomal dominant childhood-onset proximal spinal muscular atrophy with contractures. Last evaluated: 2020-01-21. Review status: criteria provided, single submitter. Criteria: Invitae Variant Classification Sherloc (09022015). Collection method: clinical testing. Allele origin: germline.
Comment: In summary, the available evidence is currently insufficient to determine the role of this variant in disease. Therefore, it has been classified as a Variant of Uncertain Significance. Algorithms developed to predict the effect of missense changes on protein structure and function are either unavailable or do not agree on the potential impact of this missense change (SIFT: "Deleterious"; PolyPhen-2: "Possibly Damaging"; Align-GVGD: "Class C0"). This variant has not been reported in the literature in individuals with BICD2-related conditions. This variant is not present in population databases (ExAC no frequency). This sequence change replaces serine with isoleucine at codon 102 of the BICD2 protein (p.Ser102Ile). The serine residue is moderately conserved and there is a large physicochemical difference between serine and isoleucine.

NM_001003800.2(BICD2):c.305G>T (p.Ser102Ile)

Gene: BICD2 (BICD cargo adaptor 2; minus strand). Cytogenetic location: 9q22.31.
Variant type: single nucleotide variant.
Coding change: c.305G>T on transcript NM_001003800.2 (MANE Select); coding-DNA position 305, G replaced by T.
Protein change: p.Ser102Ile; replaces serine 102 with isoleucine.
Molecular consequence: missense variant.
Genome position (GRCh38, 1-based): chr9:92,729,172, C>A on the plus strand (G>T on the coding strand, the complement: BICD2 is on the minus strand). VCF-style: chr9-92729172-C-A. GRCh37 (hg19) VCF-style: chr9-95491454-C-A.
Other names: c.305G>T, p.Ser102Ile (NM_015250.4); short protein forms S102I.
Identifiers: ClinVar variation 1035862 (VCV001035862.11), dbSNP rs1853629682, ClinGen allele CA374027251.